The following is an entry in ClinVar:

ClinVar aggregate classification (germline): Likely benign. Review status: criteria provided, multiple submitters, no conflicts (2 of 4 stars). 2 submissions from 2 submitters: Likely benign (2). Last evaluated 2025-03-05.

Conditions:
TTLL5-related disorder. Also called: TTLL5-related condition.

Allele frequency attached by ClinVar (database versions not stated): gnomAD exomes 0.00001; gnomAD 0.00002.
gnomAD v4.1: 5 of 1,614,014 alleles (0.00031%); highest among the groups gnomAD compares: Admixed American, 0.0083%; no homozygotes.

Submissions (2):

PreventionGenetics, part of Exact Sciences
Classification: Likely benign for TTLL5-related condition. Last evaluated: 2025-03-05. Review status: criteria provided, single submitter. Criteria: ACMG Guidelines, 2015. Collection method: clinical testing. Allele origin: germline.
Comment: This variant is classified as likely benign based on ACMG/AMP sequence variant interpretation guidelines (Richards et al. 2015 PMID: 25741868, with internal and published modifications).

Labcorp Genetics (formerly Invitae), Labcorp
Classification: Likely benign. Last evaluated: 2024-01-22. Review status: criteria provided, single submitter. Criteria: Invitae Variant Classification Sherloc (09022015). Collection method: clinical testing. Allele origin: germline.

NM_015072.5(TTLL5):c.2214A>G (p.Arg738=)

Gene: TTLL5 (tubulin tyrosine ligase like 5; plus strand). Cytogenetic location: 14q24.3.
Variant type: single nucleotide variant.
Coding change: c.2214A>G on transcript NM_015072.5 (MANE Select); coding-DNA position 2214, A replaced by G.
Protein change: p.Arg738=; no amino-acid change (arginine 738 retained).
Molecular consequence: synonymous variant.
Genome position (GRCh38, 1-based): chr14:75,775,561, A>G. VCF-style: chr14-75775561-A-G. GRCh37 (hg19) VCF-style: chr14-76241904-A-G.
Identifiers: ClinVar variation 954524 (VCV000954524.10), dbSNP rs1303705444, ClinGen allele CA487190381.